The following is an entry in ClinVar:

ClinVar aggregate classification (germline): Pathogenic, low penetrance (1 of 4 stars; one submission).

Conditions:
Mesangiocapillary glomerulonephritis. Also called: Membranoproliferative glomerulonephritis. Identifiers: MedGen C0017662, MONDO:0002461, HP:0000793.

Submission:

Genomenon, Inc
Classification: Pathogenic, low penetrance for Primary membranoproliferative glomerulonephritis. Last evaluated: 2025-09-26. Review status: criteria provided, single submitter. Criteria: Genomenon Sequence Variant Interpretation Standards - Updated. Collection method: curation. Allele origin: germline. Affected: yes.
Comment: DGKE p.Arg435Ter (c.1303C>T) is a nonsense variant that introduces a premature stop codon at amino acid position 435, creating a truncated protein that is predicted to undergo nonsense-mediated mRNA decay. This variant has been observed in at least one proband affected with membranoproliferative glomerulonephritis (PMID:28117080). It is absent or not present at a significant frequency in gnomAD. In conclusion, we classify DGKE p.Arg435Ter (c.1303C>T) as a pathogenic, low penetrance variant.

Literature cited by the submitters: PubMed 28117080.

NM_003647.3(DGKE):c.1303C>T (p.Arg435Ter)

Gene: DGKE (diacylglycerol kinase epsilon; plus strand). Cytogenetic location: 17q22.
Variant type: single nucleotide variant.
Coding change: c.1303C>T on transcript NM_003647.3 (MANE Select); coding-DNA position 1303, C replaced by T.
Protein change: p.Arg435Ter; replaces arginine 435 with a stop codon.
Molecular consequence: nonsense.
Genome position (GRCh38, 1-based): chr17:56,861,809, C>T. VCF-style: chr17-56861809-C-T. GRCh37 (hg19) VCF-style: chr17-54939170-C-T.
Other names: short protein forms R435*.
Identifiers: ClinVar variation 4280375 (VCV004280375.1).